The following is an entry in ClinVar:

NM_004722.4(AP4M1):c.205A>C (p.Thr69Pro)

Gene: AP4M1 (adaptor related protein complex 4 subunit mu 1; plus strand). Cytogenetic location: 7q22.1.
Variant type: single nucleotide variant.
Coding change: c.205A>C on transcript NM_004722.4 (MANE Select); coding-DNA position 205, A replaced by C.
Protein change: p.Thr69Pro; replaces threonine 69 with proline.
Molecular consequence: missense variant.
Genome position (GRCh38, 1-based): chr7:100,102,732, A>C. VCF-style: chr7-100102732-A-C. GRCh37 (hg19) VCF-style: chr7-99700355-A-C.
Other names: c.226A>C, p.Thr76Pro (NM_001363671.2); short protein forms T69P, T76P.
Identifiers: ClinVar variation 1306889 (VCV001306889.2), dbSNP rs1371116465, ClinGen allele CA368464626.

ClinVar aggregate classification (germline): Uncertain significance (1 of 4 stars; one submission).

Allele frequency attached by ClinVar (database versions not stated): gnomAD exomes below 0.00001; gnomAD 0.00001.
gnomAD v4.1: 1 of 1,614,066 alleles (0.000062%); highest among the groups gnomAD compares: African/African-American, 0.0013%; no homozygotes.

Submission:

GeneDx
Classification: Uncertain significance. Last evaluated: 2021-04-19. Review status: criteria provided, single submitter. Criteria: GeneDx Variant Classification Process June 2021. Collection method: clinical testing. Allele origin: germline. Affected: yes.
Comment: Has not been previously published as pathogenic or benign to our knowledge; Not observed at a significant frequency in large population cohorts (Lek et al., 2016); In silico analysis, which includes protein predictors and evolutionary conservation, supports a deleterious effect